The following is an entry in ClinVar:

NM_000548.5(TSC2):c.1949_1950insAG (p.Pro651fs)

Gene: TSC2 (TSC complex subunit 2; plus strand). Cytogenetic location: 16p13.3.
Variant type: Insertion.
Coding change: c.1949_1950insAG on transcript NM_000548.5 (MANE Select); coding-DNA positions 1949 to 1950, AG inserted.
Protein change: p.Pro651fs; shifts the reading frame from proline 651.
Molecular consequence: frameshift variant. On other transcripts: non-coding transcript variant (5).
Genome position: GRCh38 VCF-style: chr16-2071786-A-AAG. GRCh37 (hg19) VCF-style: chr16-2121787-A-AAG.
Other names: c.1838_1839insAG, p.Pro614fs (NM_001406670.1, NM_001406678.1, NM_001318827.2); c.1937_1938insAG, p.Pro647fs (NM_001406671.1, NM_001406673.1); c.1802_1803insAG, p.Pro602fs (NM_001406675.1, NM_001406676.1, NM_001406679.1 and 1 more transcripts); c.1892_1893insAG, p.Pro632fs (NM_001406677.1); c.1349_1350insAG, p.Pro451fs (NM_001406680.1, NM_001318831.2, NM_001406682.1 and 6 more transcripts); c.1487_1488insAG, p.Pro497fs (NM_001406681.1); c.605_606insAG, p.Pro203fs (NM_001406690.1, NM_001406691.1, NM_001406692.1 and 6 more transcripts); c.347_348insAG, p.Pro117fs (NM_001406698.1); and 3 more; short protein forms P117fs, P497fs, P651fs, P451fs, P647fs, P681fs, P632fs, P662fs.
Identifiers: ClinVar variation 3729031 (VCV003729031.2).
Genomic context (GRCh38, chr16:2,071,786, plus strand): 5'-AGTCTGTTCCGTTCCTGCTGCGGGGACTTGGCCTCAGCTGCTTCTCTTGCTTCTGCAGGG[A>AAG]GCCAGAGAGAGGCTCTGAGAAGAAGACCAGCGGCCCCCTTTCTCCTCCCACAGGGCCTCC-3'

ClinVar aggregate classification (germline): Pathogenic (1 of 4 stars; one submission).

Conditions:
Tuberous sclerosis 2 (TSC2). Identifiers: Orphanet 805, MedGen C1860707, MONDO:0013199, OMIM 613254.

Submission:

Labcorp Genetics (formerly Invitae), Labcorp
Classification: Pathogenic for Tuberous sclerosis 2. Last evaluated: 2025-01-14. Review status: criteria provided, single submitter. Criteria: Invitae Variant Classification Sherloc (09022015). Collection method: clinical testing. Allele origin: germline.
Comment: This sequence change creates a premature translational stop signal (p.Pro651Glyfs*48) in the TSC2 gene. It is expected to result in an absent or disrupted protein product. Loss-of-function variants in TSC2 are known to be pathogenic (PMID: 10205261, 17304050). This variant is not present in population databases (gnomAD no frequency). This variant has not been reported in the literature in individuals affected with TSC2-related conditions. For these reasons, this variant has been classified as Pathogenic.

Literature cited by the submitters: PubMed 10205261; PubMed 17304050.